The following is an entry in ClinVar:

NM_001042492.3(NF1):c.1758del (p.Ser587fs)

Gene: NF1 (neurofibromin 1; plus strand). Cytogenetic location: 17q11.2.
Variant type: Deletion.
Coding change: c.1758del on transcript NM_001042492.3 (MANE Select); coding-DNA position 1758, one base deleted (T; older notation c.1758delT).
Protein change: p.Ser587fs; shifts the reading frame from serine 587.
Molecular consequence: frameshift variant.
Genome position (GRCh38, 1-based): chr17:31,223,480, T deleted. VCF-style (leftmost placement, unchanged base first): chr17-31223479-CT-C. GRCh37 (hg19) VCF-style: chr17-29550497-CT-C.
Other names: c.1758delT, p.Ser587Valfs (NM_000267.4); short protein forms S587fs.
Identifiers: ClinVar variation 3642343 (VCV003642343.2).

ClinVar aggregate classification (germline): Pathogenic (1 of 4 stars; one submission).

Conditions:
Neurofibromatosis, type 1 (NF1). Also called: Peripheral type neurofibromatosis; VON RECKLINGHAUSEN DISEASE; Neurofibromatosis, type I; NEUROFIBROMATOSIS, TYPE I, SOMATIC. Identifiers: Orphanet 636, MedGen C0027831, MONDO:0018975, OMIM 162200. Disease mechanism: loss of function.

Submission:

Labcorp Genetics (formerly Invitae), Labcorp
Classification: Pathogenic for Neurofibromatosis, type 1. Last evaluated: 2024-02-21. Review status: criteria provided, single submitter. Criteria: Invitae Variant Classification Sherloc (09022015). Collection method: clinical testing. Allele origin: germline.
Comment: This sequence change creates a premature translational stop signal (p.Ser587Valfs*18) in the NF1 gene. It is expected to result in an absent or disrupted protein product. Loss-of-function variants in NF1 are known to be pathogenic (PMID: 10712197, 23913538). This variant is not present in population databases (gnomAD no frequency). This premature translational stop signal has been observed in individual(s) with neurofibromatosis, type 1 (PMID: 31776437). For these reasons, this variant has been classified as Pathogenic.

Literature cited by the submitters: PubMed 10712197; PubMed 23913538; PubMed 31776437.